The following is an entry in ClinVar:

NM_022051.3(EGLN1):c.334G>A (p.Val112Ile)

Gene: EGLN1 (egl-9 family hypoxia inducible factor 1; minus strand). Cytogenetic location: 1q42.2.
Variant type: single nucleotide variant.
Coding change: c.334G>A on transcript NM_022051.3 (MANE Select); coding-DNA position 334, G replaced by A.
Protein change: p.Val112Ile; replaces valine 112 with isoleucine.
Molecular consequence: missense variant.
Genome position (GRCh38, 1-based): chr1:231,421,555, C>T on the plus strand (G>A on the coding strand, the complement: EGLN1 is on the minus strand). VCF-style: chr1-231421555-C-T. GRCh37 (hg19) VCF-style: chr1-231557301-C-T.
Other names: c.334G>A, p.Val112Ile (NM_001377260.1, NM_001377261.1); short protein forms V112I.
Identifiers: ClinVar variation 2457181 (VCV002457181.5), dbSNP rs2527360670, ClinGen allele CA345237623.
Genomic context (GRCh38, chr1:231,421,555, plus strand): 5'-CGGCGGCCGCACGACACGGCGACGCGGCCGCCGCTGGGTCGGCCGGGGGCTTGGCCTTTA[C>T]TTTTCCCTTGGCCGCGTCCCCGGAGGCGTTGTCCCGGCGCGCCGCTGCCTTCCTGGGCTC-3'
Protein context (NP_071334.1, residues 102-122): NASGDAAKGK[Val112Ile]KAKPPADPAA

ClinVar aggregate classification (germline): Conflicting classifications of pathogenicity. Review status: criteria provided, conflicting classifications (1 of 4 stars). 2 submissions from 2 submitters: Uncertain significance (1); Likely benign (1). Last evaluated 2025-12-27.

Conditions:
Erythrocytosis, familial, 3 (ECYT3). Identifiers: Orphanet 247511, MedGen C1853286, MONDO:0012353, OMIM 609820.

Allele frequency attached by ClinVar (database versions not stated): gnomAD exomes 0.00004.
gnomAD v4.1: 43 of 1,309,610 alleles (0.0033%); highest among the groups gnomAD compares: Non-Finnish European, 0.0039%; no homozygotes.

Submissions (2):

Labcorp Genetics (formerly Invitae), Labcorp
Classification: Uncertain significance for Erythrocytosis, familial, 3. Last evaluated: 2025-12-27. Review status: criteria provided, single submitter. Criteria: Invitae Variant Classification Sherloc (09022015). Collection method: clinical testing. Allele origin: germline.
Comment: This sequence change replaces valine, which is neutral and non-polar, with isoleucine, which is neutral and non-polar, at codon 112 of the EGLN1 protein (p.Val112Ile). This variant is not present in population databases (gnomAD no frequency). This variant has not been reported in the literature in individuals affected with EGLN1-related conditions. ClinVar contains an entry for this variant (Variation ID: 2457181). An algorithm developed to predict the effect of missense changes on protein structure and function (PolyPhen-2) suggests that this variant is likely to be tolerated. In summary, the available evidence is currently insufficient to determine the role of this variant in disease. Therefore, it has been classified as a Variant of Uncertain Significance.

Ambry Genetics
Classification: Likely benign. Last evaluated: 2025-03-12. Review status: criteria provided, single submitter. Criteria: Ambry Variant Classification Scheme 2023. Collection method: clinical testing. Allele origin: germline.